The following is an entry in ClinVar:

ClinVar aggregate classification (germline): Pathogenic/Likely pathogenic. Review status: criteria provided, multiple submitters, no conflicts (2 of 4 stars). 2 submissions from 2 submitters: Pathogenic (1); Likely pathogenic (1). Last evaluated 2021-10-28.

Conditions:
Myoclonic dystonia 11 (DYT11). Also called: SGCE Myoclonus-Dystonia; Myoclonus-Dystonia; Myoclonic dystonia; Dystonia 11; Dystonia, alcohol responsive; Hereditary essential myoclonus. Identifiers: Orphanet 36899, MedGen C1834570, MONDO:0008044, OMIM 159900.
SGCE-related disorder. Also called: SGCE-related condition.

Submissions (2):

Labcorp Genetics (formerly Invitae), Labcorp
Classification: Pathogenic for Myoclonic dystonia 11. Last evaluated: 2021-10-28. Review status: criteria provided, single submitter. Criteria: Invitae Variant Classification Sherloc (09022015). Collection method: clinical testing. Allele origin: germline.
Comment: This sequence change creates a premature translational stop signal (p.Cys271*) in the SGCE gene. It is expected to result in an absent or disrupted protein product. Loss-of-function variants in SGCE are known to be pathogenic (PMID: 12821748, 15389977, 17853490, 24297365). This variant is not present in population databases (gnomAD no frequency). This variant has not been reported in the literature in individuals affected with SGCE-related conditions. For these reasons, this variant has been classified as Pathogenic.

Blueprint Genetics
Classification: Likely pathogenic for SGCE-related disorders. Last evaluated: 2021-01-18. Review status: criteria provided, single submitter. Criteria: ACMG Guidelines, 2015. Collection method: clinical testing. Allele origin: germline. Affected: yes. Observed: 1 variant allele.

Literature cited by the submitters: PubMed 12821748 (cited by Labcorp Genetics (formerly Invitae), Labcorp); PubMed 15389977 (cited by Labcorp Genetics (formerly Invitae), Labcorp); PubMed 17853490 (cited by Labcorp Genetics (formerly Invitae), Labcorp); PubMed 24297365 (cited by Labcorp Genetics (formerly Invitae), Labcorp).

NM_003919.3(SGCE):c.813C>A (p.Cys271Ter)

Genes: CASD1 (CAS1 domain sialic acid O acetyltransferase 1; plus strand), SGCE (sarcoglycan epsilon; minus strand). Cytogenetic location: 7q21.3.
Variant type: single nucleotide variant.
Coding change: c.813C>A on transcript NM_003919.3 (MANE Select); coding-DNA position 813, C replaced by A.
Protein change: p.Cys271Ter; replaces cysteine 271 with a stop codon.
Molecular consequence: nonsense.
Genome position (GRCh38, 1-based): chr7:94,603,302, G>T on the plus strand (C>A on the coding strand, the complement: SGCE is on the minus strand). VCF-style: chr7-94603302-G-T. GRCh37 (hg19) VCF-style: chr7-94232614-G-T.
Other names: c.813C>A, p.Cys271Ter (NM_001099400.2, NM_001099401.2, NM_001346717.2); c.690C>A, p.Cys230Ter (NM_001301139.2, NM_001362809.2); c.921C>A, p.Cys307Ter (NM_001346713.2, NM_001346715.2); c.726C>A, p.Cys242Ter (NM_001346719.2, NM_001362807.2); c.540C>A, p.Cys180Ter (NM_001346720.2, NM_001362808.2); short protein forms C242*, C180*, C271*, C230*, C307*.
Identifiers: ClinVar variation 1451845 (VCV001451845.7), dbSNP rs2116722345, ClinGen allele CA368231799.